The following is an entry in ClinVar:

ClinVar aggregate classification (germline): Uncertain significance (1 of 4 stars; one submission).

Conditions:
Neuropathy, hereditary sensory and autonomic, type 2A (HSAN2A). Also called: WNK1-Related HSAN2 (HSAN2A); HSAN IIA; ACROOSTEOLYSIS, GIACCAI TYPE; ACROOSTEOLYSIS, NEUROGENIC; MORVAN DISEASE; NEUROPATHY, CONGENITAL SENSORY. Identifiers: Orphanet 970, MedGen C2752089, MONDO:0024309, OMIM 201300.
Generalized epilepsy with febrile seizures plus, type 7 (GEFSP7). Also called: GEFS+, TYPE 7. Identifiers: Orphanet 36387, MedGen C2751778, MONDO:0013470, OMIM 613863.

gnomAD v4.1: 1 of 1,561,830 alleles (0.000064%); highest among the groups gnomAD compares: Non-Finnish European, 0.000088%; no homozygotes.

Submission:

Labcorp Genetics (formerly Invitae), Labcorp
Classification: Uncertain significance for Neuropathy, hereditary sensory and autonomic, type 2A; Generalized epilepsy with febrile seizures plus, type 7. Last evaluated: 2021-01-12. Review status: criteria provided, single submitter. Criteria: Invitae Variant Classification Sherloc (09022015). Collection method: clinical testing. Allele origin: germline.
Comment: This variant is not present in population databases (ExAC no frequency). This sequence change replaces isoleucine with leucine at codon 1579 of the SCN9A protein (p.Ile1579Leu). The isoleucine residue is highly conserved and there is a small physicochemical difference between isoleucine and leucine. This variant has not been reported in the literature in individuals with SCN9A-related conditions. In summary, the available evidence is currently insufficient to determine the role of this variant in disease. Therefore, it has been classified as a Variant of Uncertain Significance. Algorithms developed to predict the effect of missense changes on protein structure and function are either unavailable or do not agree on the potential impact of this missense change (SIFT: "Deleterious"; PolyPhen-2: "Benign"; Align-GVGD: "Class C0").

NM_001365536.1(SCN9A):c.4768A>C (p.Ile1590Leu)

Genes: SCN9A (sodium voltage-gated channel alpha subunit 9; minus strand), SCN1A-AS1 (SCN1A and SCN9A antisense RNA 1; plus strand). Cytogenetic location: 2q24.3.
Variant type: single nucleotide variant.
Coding change: c.4768A>C on transcript NM_001365536.1 (MANE Select); coding-DNA position 4768, A replaced by C.
Protein change: p.Ile1590Leu; replaces isoleucine 1590 with leucine.
Molecular consequence: missense variant.
Genome position (GRCh38, 1-based): chr2:166,203,961, T>G on the plus strand (A>C on the coding strand, the complement: SCN9A is on the minus strand). VCF-style: chr2-166203961-T-G. GRCh37 (hg19) VCF-style: chr2-167060471-T-G.
Other names: c.4735A>C, p.Ile1579Leu (NM_002977.4); short protein forms I1590L, I1579L.
Identifiers: ClinVar variation 1462700 (VCV001462700.8), dbSNP rs2106345980, ClinGen allele CA349057256.